The following is an entry in ClinVar:

ClinVar aggregate classification (germline): Uncertain significance (1 of 4 stars; one submission).

Submission:

GeneDx
Classification: Uncertain significance. Last evaluated: 2024-12-01. Review status: criteria provided, single submitter. Criteria: GeneDx Variant Classification Process June 2021. Collection method: clinical testing. Allele origin: germline. Affected: yes.
Comment: Not observed at significant frequency in large population cohorts (gnomAD); In silico analysis supports that this missense variant has a deleterious effect on protein structure/function; Has not been previously published as pathogenic or benign to our knowledge

NM_006231.4(POLE):c.224A>T (p.Asp75Val)

Gene: POLE (DNA polymerase epsilon, catalytic subunit; minus strand). Cytogenetic location: 12q24.33.
Variant type: single nucleotide variant.
Coding change: c.224A>T on transcript NM_006231.4 (MANE Select); coding-DNA position 224, A replaced by T.
Protein change: p.Asp75Val; replaces aspartic acid 75 with valine.
Molecular consequence: missense variant.
Genome position (GRCh38, 1-based): chr12:132,680,668, T>A on the plus strand (A>T on the coding strand, the complement: POLE is on the minus strand). VCF-style: chr12-132680668-T-A. GRCh37 (hg19) VCF-style: chr12-133257254-T-A.
Other names: short protein forms D75V.
Identifiers: ClinVar variation 3900963 (VCV003900963.1).